The following is an entry in ClinVar:

ClinVar aggregate classification (germline): Uncertain significance (1 of 4 stars; one submission).

Submission:

Labcorp Genetics (formerly Invitae), Labcorp
Classification: Uncertain significance. Last evaluated: 2022-01-26. Review status: criteria provided, single submitter. Criteria: Invitae Variant Classification Sherloc (09022015). Collection method: clinical testing. Allele origin: germline.
Comment: In summary, the available evidence is currently insufficient to determine the role of this variant in disease. Therefore, it has been classified as a Variant of Uncertain Significance. Algorithms developed to predict the effect of missense changes on protein structure and function (SIFT, PolyPhen-2, Align-GVGD) all suggest that this variant is likely to be disruptive. ClinVar contains an entry for this variant (Variation ID: 1052639). This variant has not been reported in the literature in individuals affected with IL21-related conditions. This variant is not present in population databases (gnomAD no frequency). This sequence change replaces arginine, which is basic and polar, with glycine, which is neutral and non-polar, at codon 40 of the IL21 protein (p.Arg40Gly).

NM_021803.4(IL21):c.118C>G (p.Arg40Gly)

Genes: IL21 (interleukin 21; minus strand), IL21-AS1 (IL21 antisense RNA 1; plus strand), LOC126807147 (CDK7 strongly-dependent group 2 enhancer GRCh37_chr4:123541308-123542507; plus strand). Cytogenetic location: 4q27.
Variant type: single nucleotide variant.
Coding change: c.118C>G on transcript NM_021803.4 (MANE Select); coding-DNA position 118, C replaced by G.
Protein change: p.Arg40Gly; replaces arginine 40 with glycine.
Molecular consequence: missense variant. On other transcripts: non-coding transcript variant (1).
Genome position (GRCh38, 1-based): chr4:122,620,894, G>C on the plus strand (C>G on the coding strand, the complement: IL21 is on the minus strand). VCF-style: chr4-122620894-G-C. GRCh37 (hg19) VCF-style: chr4-123542049-G-C.
Other names: c.118C>G, p.Arg40Gly (NM_001207006.3); short protein forms R40G.
Identifiers: ClinVar variation 1052639 (VCV001052639.5), dbSNP rs1158040184, ClinGen allele CA358221698.